The following is an entry in ClinVar:

ClinVar aggregate classification (germline): Uncertain significance (1 of 4 stars; one submission).

Conditions:
Cardiovascular phenotype. Identifiers: MedGen CN230736.

gnomAD v4.1: 2 of 1,549,642 alleles (0.00013%); highest among the groups gnomAD compares: Middle Eastern, 0.033%; no homozygotes.

Submission:

Ambry Genetics
Classification: Uncertain significance for Cardiovascular phenotype. Last evaluated: 2022-08-30. Review status: criteria provided, single submitter. Criteria: Ambry Variant Classification Scheme 2023. Collection method: clinical testing. Allele origin: germline.
Comment: The p.D1458E variant (also known as c.4374C>A), located in coding exon 2 of the ZNF469 gene, results from a C to A substitution at nucleotide position 4374. The aspartic acid at codon 1458 is replaced by glutamic acid, an amino acid with highly similar properties. This amino acid position is conserved. In addition, this alteration is predicted to be tolerated by in silico analysis. Since supporting evidence is limited at this time, the clinical significance of this alteration remains unclear.

NM_001367624.2(ZNF469):c.4458C>A (p.Asp1486Glu)

Gene: ZNF469 (zinc finger protein 469; plus strand). Cytogenetic location: 16q24.2.
Variant type: single nucleotide variant.
Coding change: c.4458C>A on transcript NM_001367624.2 (MANE Select); coding-DNA position 4458, C replaced by A.
Protein change: p.Asp1486Glu; replaces aspartic acid 1486 with glutamic acid.
Molecular consequence: missense variant.
Genome position (GRCh38, 1-based): chr16:88,431,928, C>A. VCF-style: chr16-88431928-C-A. GRCh37 (hg19) VCF-style: chr16-88498336-C-A.
Other names: NM_001127464.1:c.4374C>A; short protein forms D1486E.
Identifiers: ClinVar variation 1740109 (VCV001740109.2), dbSNP rs1476158072, ClinGen allele CA397092112.